The following is an entry in ClinVar:

ClinVar aggregate classification (germline): Uncertain significance. Review status: criteria provided, multiple submitters, no conflicts (2 of 4 stars). 2 submissions from 2 submitters: Uncertain significance (2). Last evaluated 2025-12-08.

Conditions:
Sinoatrial node dysfunction and deafness (SANDD). Identifiers: Orphanet 324321, MedGen C3554018, MONDO:0013960, OMIM 614896.
Aldosterone-producing adenoma with seizures and neurological abnormalities. Also called: Primary aldosteronism, seizures, and neurologic abnormalities. Identifiers: Orphanet 369929, MedGen C3809609, MONDO:0014200, OMIM 615474.

Allele frequency attached by ClinVar (database versions not stated): TOPMed below 0.00001; gnomAD 0.00001.
gnomAD v4.1: 1 of 1,614,114 alleles (0.000062%); highest among the groups gnomAD compares: Non-Finnish European, 0.000085%; no homozygotes.

Submissions (2):

Labcorp Genetics (formerly Invitae), Labcorp
Classification: Uncertain significance. Last evaluated: 2025-12-08. Review status: criteria provided, single submitter. Criteria: Invitae Variant Classification Sherloc (09022015). Collection method: clinical testing. Allele origin: germline.
Comment: This sequence change replaces isoleucine, which is neutral and non-polar, with valine, which is neutral and non-polar, at codon 735 of the CACNA1D protein (p.Ile735Val). This variant is not present in population databases (gnomAD no frequency). This variant has not been reported in the literature in individuals affected with CACNA1D-related conditions. ClinVar contains an entry for this variant (Variation ID: 1346650). Invitae Evidence Modeling of protein sequence and biophysical properties (such as structural, functional, and spatial information, amino acid conservation, physicochemical variation, residue mobility, and thermodynamic stability) indicates that this missense variant is not expected to disrupt CACNA1D protein function with a negative predictive value of 80%. In summary, the available evidence is currently insufficient to determine the role of this variant in disease. Therefore, it has been classified as a Variant of Uncertain Significance.

Fulgent Genetics
Classification: Uncertain significance for Sinoatrial node dysfunction and deafness; Aldosterone-producing adenoma with seizures and neurological abnormalities. Last evaluated: 2021-09-01. Review status: criteria provided, single submitter. Criteria: ACMG Guidelines, 2015. Collection method: clinical testing. Allele origin: unknown.

NM_001128840.3(CACNA1D):c.2143A>G (p.Ile715Val)

Gene: CACNA1D (calcium voltage-gated channel subunit alpha1 D; plus strand). Cytogenetic location: 3p21.1.
Variant type: single nucleotide variant.
Coding change: c.2143A>G on transcript NM_001128840.3 (MANE Select); coding-DNA position 2143, A replaced by G.
Protein change: p.Ile715Val; replaces isoleucine 715 with valine.
Molecular consequence: missense variant.
Genome position (GRCh38, 1-based): chr3:53,726,921, A>G. VCF-style: chr3-53726921-A-G. GRCh37 (hg19) VCF-style: chr3-53760948-A-G.
Other names: c.2203A>G, p.Ile735Val (NM_000720.4); c.2143A>G, p.Ile715Val (NM_001128839.3); short protein forms I715V, I735V.
Identifiers: ClinVar variation 1346650 (VCV001346650.9), dbSNP rs2094940956, ClinGen allele CA353238902.